The following is an entry in ClinVar:

ClinVar aggregate classification (germline): Uncertain significance. Review status: criteria provided, multiple submitters, no conflicts (2 of 4 stars). 2 submissions from 2 submitters: Uncertain significance (2). Last evaluated 2023-10-24.

Conditions:
Cohen syndrome (COH1). Also called: Cutis verticis gyrata, retinitis pigmentosa, and sensorineural deafness; PEPPER SYNDROME. Identifiers: Orphanet 193, MedGen C0265223, MONDO:0008999, OMIM 216550.

Allele frequency attached by ClinVar (database versions not stated): gnomAD exomes below 0.00001; TOPMed below 0.00001; ExAC 0.00001.
gnomAD v4.1: 2 of 1,613,508 alleles (0.00012%); highest among the groups gnomAD compares: South Asian, 0.0011%; no homozygotes.

Submissions (2):

Labcorp Genetics (formerly Invitae), Labcorp
Classification: Uncertain significance for Cohen syndrome. Last evaluated: 2023-10-24. Review status: criteria provided, single submitter. Criteria: Invitae Variant Classification Sherloc (09022015). Collection method: clinical testing. Allele origin: germline.
Comment: This sequence change replaces glycine, which is neutral and non-polar, with serine, which is neutral and polar, at codon 3099 of the VPS13B protein (p.Gly3099Ser). This variant is present in population databases (rs762740344, gnomAD 0.0009%). This variant has not been reported in the literature in individuals affected with VPS13B-related conditions. ClinVar contains an entry for this variant (Variation ID: 664855). Advanced modeling of protein sequence and biophysical properties (such as structural, functional, and spatial information, amino acid conservation, physicochemical variation, residue mobility, and thermodynamic stability) performed at Invitae indicates that this missense variant is expected to disrupt VPS13B protein function with a positive predictive value of 80%. In summary, the available evidence is currently insufficient to determine the role of this variant in disease. Therefore, it has been classified as a Variant of Uncertain Significance.

Blueprint Genetics
Classification: Uncertain significance. Last evaluated: 2019-10-25. Review status: criteria provided, single submitter. Criteria: ACMG Guidelines, 2015. Collection method: clinical testing. Allele origin: germline.

NM_152564.5(VPS13B):c.9220G>A (p.Gly3074Ser)

Gene: VPS13B (vacuolar protein sorting 13 homolog B; plus strand). Cytogenetic location: 8q22.2.
Variant type: single nucleotide variant.
Coding change: c.9220G>A on transcript NM_152564.5 (MANE Select); coding-DNA position 9220, G replaced by A.
Protein change: p.Gly3074Ser; replaces glycine 3074 with serine.
Molecular consequence: missense variant.
Genome position (GRCh38, 1-based): chr8:99,823,868, G>A. VCF-style: chr8-99823868-G-A. GRCh37 (hg19) VCF-style: chr8-100836096-G-A.
Other names: c.9295G>A, p.Gly3099Ser (NM_017890.5); short protein forms G3074S, G3099S.
Identifiers: ClinVar variation 664855 (VCV000664855.8), dbSNP rs762740344, ClinGen allele CA4824649.